The following is an entry in ClinVar:

NM_014714.4(IFT140):c.1944del (p.Pro648_Val649insTer)

Gene: IFT140 (intraflagellar transport 140; minus strand). Cytogenetic location: 16p13.3.
Variant type: Deletion.
Coding change: c.1944del on transcript NM_014714.4 (MANE Select); coding-DNA position 1944, one base deleted (C; older notation c.1944delC).
Protein change: p.Pro648_Val649insTer.
Molecular consequence: frameshift variant.
Genome position (GRCh38, 1-based): chr16:1,564,120, G deleted on the plus strand (C on the coding strand, the reverse complement: IFT140 is on the minus strand); the first of 3 consecutive G bases (chr16:1,564,120-1,564,122); deleting any one gives the same sequence. VCF-style (leftmost placement, unchanged base first): chr16-1564119-CG-C. GRCh37 (hg19) VCF-style: chr16-1614120-CG-C.
Other names: c.1944delC (NM_014714.3).
Identifiers: ClinVar variation 3578516 (VCV003578516.2).

ClinVar aggregate classification (germline): Likely pathogenic. Review status: criteria provided, multiple submitters, no conflicts (2 of 4 stars). 2 submissions from 2 submitters: Likely pathogenic (2). Last evaluated 2026-02-02.

Conditions:
IFT140-related disorder. Also called: IFT140-related condition.
Retinitis pigmentosa 80 (RP80). Identifiers: MedGen C4540439, MONDO:0054708, OMIM 617781.
Saldino-Mainzer syndrome (SRTD9). Also called: CONORENAL SYNDROME; Renal dysplasia, retinal pigmentary dystrophy, cerebellar ataxia and skeletal dysplasia; SHORT-RIB THORACIC DYSPLASIA 9 WITHOUT POLYDACTYLY; short-rib thoracic dysplasia 9 with or without polydactyly. Identifiers: Orphanet 140969, MedGen C1849437, MONDO:0009964, OMIM 266920.

Submissions (2):

PreventionGenetics, part of Exact Sciences
Classification: Likely pathogenic for IFT140-related condition. Last evaluated: 2026-02-02. Review status: criteria provided, single submitter. Criteria: ACMG Guidelines, 2015. Collection method: clinical testing. Allele origin: germline.
Comment: The IFT140 c.1944delC variant is predicted to result in premature protein termination (p.Val649*). To our knowledge, this variant has not been previously reported in association with disease. This variant has not been reported in a large population database (gnomAD), indicating this variant is rare. Nonsense variants in IFT140 are expected to be pathogenic. This variant is interpreted as likely pathogenic for both autosomal dominant and autosomal recessive IFT140-related disorders

Fulgent Genetics
Classification: Likely pathogenic for Saldino-Mainzer syndrome; Retinitis pigmentosa 80. Last evaluated: 2024-06-03. Review status: criteria provided, single submitter. Criteria: ACMG Guidelines, 2015. Collection method: clinical testing. Allele origin: germline.